The following is an entry in ClinVar:

ClinVar aggregate classification (germline): Pathogenic (1 of 4 stars; one submission).

Submission:

Labcorp Genetics (formerly Invitae), Labcorp
Classification: Pathogenic. Last evaluated: 2021-10-13. Review status: criteria provided, single submitter. Criteria: Invitae Variant Classification Sherloc (09022015). Collection method: clinical testing. Allele origin: germline.
Comment: For these reasons, this variant has been classified as Pathogenic. This variant has not been reported in the literature in individuals affected with LRP5-related conditions. This variant is not present in population databases (ExAC no frequency). This sequence change creates a premature translational stop signal (p.Asp116Glyfs*36) in the LRP5 gene. It is expected to result in an absent or disrupted protein product. Loss-of-function variants in LRP5 are known to be pathogenic (PMID: 11719191, 16252235, 25711638).

Literature cited by the submitters: PubMed 11719191; PubMed 16252235; PubMed 25711638.

NM_002335.4(LRP5):c.346dup (p.Asp116fs)

Gene: LRP5 (LDL receptor related protein 5; plus strand). Cytogenetic location: 11q13.2.
Variant type: Duplication.
Coding change: c.346dup on transcript NM_002335.4 (MANE Select); coding-DNA position 346, one base duplicated (G; older notation c.346dupG).
Protein change: p.Asp116fs; shifts the reading frame from aspartic acid 116.
Molecular consequence: frameshift variant. On other transcripts: 5 prime UTR variant (1).
Genome position (GRCh38, 1-based): chr11:68,348,101, G duplicated. VCF-style (leftmost placement, unchanged base first): chr11-68348100-C-CG. GRCh37 (hg19) VCF-style: chr11-68115568-C-CG.
Other names: c.-1420dup (NM_001291902.2); short protein forms D116fs.
Identifiers: ClinVar variation 1409431 (VCV001409431.6), dbSNP rs2153129564, ClinGen allele CA2573147522.